The following is an entry in ClinVar:

ClinVar aggregate classification (germline): Uncertain significance (1 of 4 stars; one submission).

Conditions:
Facioscapulohumeral muscular dystrophy 2 (FSHD2). Also called: MUSCULAR DYSTROPHY, FACIOSCAPULOHUMERAL, TYPE 1B; FACIOSCAPULOHUMERAL MUSCULAR DYSTROPHY 2, DIGENIC; FSHD2, DIGENIC. Identifiers: Orphanet 269, MedGen C1834671, MONDO:0008031, OMIM 158901.

Submission:

Labcorp Genetics (formerly Invitae), Labcorp
Classification: Uncertain significance for Facioscapulohumeral muscular dystrophy 2. Last evaluated: 2022-09-24. Review status: criteria provided, single submitter. Criteria: Invitae Variant Classification Sherloc (09022015). Collection method: clinical testing. Allele origin: germline.
Comment: Advanced modeling of protein sequence and biophysical properties (such as structural, functional, and spatial information, amino acid conservation, physicochemical variation, residue mobility, and thermodynamic stability) performed at Invitae indicates that this missense variant is not expected to disrupt SMCHD1 protein function. In summary, the available evidence is currently insufficient to determine the role of this variant in disease. Therefore, it has been classified as a Variant of Uncertain Significance. This variant has not been reported in the literature in individuals affected with SMCHD1-related conditions. This variant is not present in population databases (gnomAD no frequency). This sequence change replaces tyrosine, which is neutral and polar, with phenylalanine, which is neutral and non-polar, at codon 804 of the SMCHD1 protein (p.Tyr804Phe).

NM_015295.3(SMCHD1):c.2411A>T (p.Tyr804Phe)

Gene: SMCHD1 (structural maintenance of chromosomes flexible hinge domain containing 1; plus strand). Cytogenetic location: 18p11.32.
Variant type: single nucleotide variant.
Coding change: c.2411A>T on transcript NM_015295.3 (MANE Select); coding-DNA position 2411, A replaced by T.
Protein change: p.Tyr804Phe; replaces tyrosine 804 with phenylalanine.
Molecular consequence: missense variant.
Genome position (GRCh38, 1-based): chr18:2,718,387, A>T. VCF-style: chr18-2718387-A-T. GRCh37 (hg19) VCF-style: chr18-2718385-A-T.
Other names: short protein forms Y804F.
Identifiers: ClinVar variation 1945537 (VCV001945537.5), dbSNP rs2510062285, ClinGen allele CA401681323.